The following is an entry in ClinVar:

NM_198578.4(LRRK2):c.6160G>C (p.Ala2054Pro)

Gene: LRRK2 (leucine rich repeat kinase 2; plus strand). Cytogenetic location: 12q12.
Variant type: single nucleotide variant.
Coding change: c.6160G>C on transcript NM_198578.4 (MANE Select); coding-DNA position 6160, G replaced by C.
Protein change: p.Ala2054Pro; replaces alanine 2054 with proline.
Molecular consequence: missense variant.
Genome position (GRCh38, 1-based): chr12:40,346,803, G>C. VCF-style: chr12-40346803-G-C. GRCh37 (hg19) VCF-style: chr12-40740605-G-C.
Other names: short protein forms A2054P.
Identifiers: ClinVar variation 1751960 (VCV001751960.3), dbSNP rs1353117545, ClinGen allele CA384405442.

ClinVar aggregate classification (germline): Uncertain significance (1 of 4 stars; one submission).

Conditions:
Inborn genetic diseases. Identifiers: MedGen C0950123, MeSH D030342.

Allele frequency attached by ClinVar (database versions not stated): gnomAD exomes below 0.00001; TOPMed below 0.00001; gnomAD 0.00001.
gnomAD v4.1: 2 of 1,613,828 alleles (0.00012%); no homozygotes.

Submission:

Ambry Genetics
Classification: Uncertain significance for Inborn genetic diseases. Last evaluated: 2024-07-05. Review status: criteria provided, single submitter. Criteria: Ambry Variant Classification Scheme 2023. Collection method: clinical testing. Allele origin: germline.
Comment: The p.A2054P variant (also known as c.6160G>C), located in coding exon 42 of the LRRK2 gene, results from a G to C substitution at nucleotide position 6160. The alanine at codon 2054 is replaced by proline, an amino acid with highly similar properties. This amino acid position is conserved. In addition, this alteration is predicted to be deleterious by in silico analysis. Since supporting evidence is limited at this time, the clinical significance of this alteration remains unclear.